The following is an entry in ClinVar:

ClinVar aggregate classification (germline): Uncertain significance. Review status: criteria provided, multiple submitters, no conflicts (2 of 4 stars). 3 submissions from 3 submitters: Uncertain significance (3). Last evaluated 2025-09-21.

Conditions:
Hereditary sensory and autonomic neuropathy type 6. Also called: Neuropathy, hereditary sensory and autonomic, type VI; HSAN VI. Identifiers: Orphanet 314381, MedGen C3539003, MONDO:0013839, OMIM 614653.
Epidermolysis bullosa simplex 3, localized or generalized intermediate, with BP230 deficiency (EBS3). Also called: Epidermolysis bullosa simplex, autosomal recessive 2; Epidermolysis bullosa simplex due to BP230 deficiency. Identifiers: Orphanet 412181, MedGen C3809470, MONDO:0014180, OMIM 615425.
Inborn genetic diseases. Identifiers: MedGen C0950123, MeSH D030342.

Allele frequency attached by ClinVar (database versions not stated): gnomAD 0.00005 and 0.00008; ESP Exome Variant Server 0.00008; ExAC 0.00010; TOPMed 0.00011; 1000 Genomes Project 0.00020; 1000 Genomes Project 30x 0.00031.
gnomAD v4.1: 124 of 1,613,222 alleles (0.0077%); highest among the groups gnomAD compares: Middle Eastern, 0.13%; 1 homozygote.

Submissions (3):

Labcorp Genetics (formerly Invitae), Labcorp
Classification: Uncertain significance for Epidermolysis bullosa simplex 3, localized or generalized intermediate, with BP230 deficiency; Hereditary sensory and autonomic neuropathy type 6. Last evaluated: 2025-09-21. Review status: criteria provided, single submitter. Criteria: Invitae Variant Classification Sherloc (09022015). Collection method: clinical testing. Allele origin: germline.
Comment: This sequence change replaces glutamic acid with aspartic acid at codon 3448 of the DST protein (p.Glu3448Asp). The DST gene has multiple clinically relevant transcripts. This variant occurs in alternate transcript NM_015548.4, and corresponds to NM_001723.5:c.*97980G>T in the primary transcript. This sequence change replaces glutamic acid, which is acidic and polar, with aspartic acid, which is acidic and polar, at codon 3448 of the DST protein (p.Glu3448Asp). This variant is present in population databases (rs373876039, gnomAD 0.04%). This variant has not been reported in the literature in individuals affected with DST-related conditions. Experimental studies and prediction algorithms are not available or were not evaluated, and the functional significance of this variant is currently unknown. In summary, the available evidence is currently insufficient to determine the role of this variant in disease. Therefore, it has been classified as a Variant of Uncertain Significance.

Ambry Genetics
Classification: Uncertain significance for Inborn genetic diseases. Last evaluated: 2021-05-25. Review status: criteria provided, single submitter. Criteria: Ambry Variant Classification Scheme 2023. Collection method: clinical testing. Allele origin: germline.
Comment: The p.E3952D variant (also known as c.11856G>T), located in coding exon 64 of the DST gene, results from a G to T substitution at nucleotide position 11856. The glutamic acid at codon 3952 is replaced by aspartic acid, an amino acid with highly similar properties. This amino acid position is highly conserved in available vertebrate species. In addition, this alteration is predicted to be tolerated by in silico analysis. Since supporting evidence is limited at this time, the clinical significance of this alteration remains unclear.

Mayo Clinic Laboratories, Mayo Clinic
Classification: Uncertain significance. Last evaluated: 2021-04-15. Review status: criteria provided, single submitter. Criteria: ACMG Guidelines, 2015. Collection method: clinical testing. Allele origin: germline.

NM_001374736.1(DST):c.18213G>T (p.Glu6071Asp)

Gene: DST (dystonin; minus strand). Cytogenetic location: 6p12.1.
Variant type: single nucleotide variant.
Coding change: c.18213G>T on transcript NM_001374736.1 (MANE Select); coding-DNA position 18213, G replaced by T.
Protein change: p.Glu6071Asp; replaces glutamic acid 6071 with aspartic acid.
Molecular consequence: missense variant.
Genome position (GRCh38, 1-based): chr6:56,517,537, C>A on the plus strand (G>T on the coding strand, the complement: DST is on the minus strand). VCF-style: chr6-56517537-C-A. GRCh37 (hg19) VCF-style: chr6-56382335-C-A.
Other names: p.Glu3448Asp; c.11856G>T, p.Glu3952Asp (NM_001144769.5); c.11442G>T, p.Glu3814Asp (NM_001144770.2); c.18213G>T, p.Glu6071Asp (NM_001374722.1); c.17253G>T, p.Glu5751Asp (NM_001374729.1); c.10995G>T, p.Glu3665Asp (NM_001374730.1); c.18240G>T, p.Glu6080Asp (NM_001374734.1); c.10344G>T, p.Glu3448Asp (NM_015548.5); and 1 more; short protein forms E6071D, E3448D, E3774D, E3814D, E5751D, E3665D, E3952D, E6080D.
Identifiers: ClinVar variation 968268 (VCV000968268.12), dbSNP rs373876039, ClinGen allele CA3867267.
Genomic context (GRCh38, chr6:56,517,537, plus strand): 5'-GCAATTGGAAATGTATTTCTTCACCTTTTGAACTTGAAGCTGAGCAGAAGTCTGGTCTTG[C>A]TCAAGCCTGATGTCACCCAGAGACATCAATTTTTTTTCTGTTTCAGTAATCCAGGATAAC-3'
Protein context (NP_001361665.1, residues 6061-6081): KLMSLGDIRL[Glu6071Asp]QDQTSAQLQV